The following is an entry in ClinVar:

NM_001084.5(PLOD3):c.485G>C (p.Arg162Pro)

Gene: PLOD3 (procollagen-lysine,2-oxoglutarate 5-dioxygenase 3; minus strand). Cytogenetic location: 7q22.1.
Variant type: single nucleotide variant.
Coding change: c.485G>C on transcript NM_001084.5 (MANE Select); coding-DNA position 485, G replaced by C.
Protein change: p.Arg162Pro; replaces arginine 162 with proline.
Molecular consequence: missense variant.
Genome position (GRCh38, 1-based): chr7:101,216,180, C>G on the plus strand (G>C on the coding strand, the complement: PLOD3 is on the minus strand). VCF-style: chr7-101216180-C-G. GRCh37 (hg19) VCF-style: chr7-100859461-C-G.
Other names: short protein forms R162P.
Identifiers: ClinVar variation 1502923 (VCV001502923.3), dbSNP rs776951292, ClinGen allele CA4408188.
Genomic context (GRCh38, chr7:101,216,180, plus strand): 5'-CCACCGCTCTTGGCCCCTCTGCCTTGGGCACTCTGCCACTCACCACCAGAATTGAGGAAG[C>G]GCTTCCCCGTGCCCACCTCAGGGTACTGCTCCGCCAGCCCCCACTCGGGCCAGCAGAAGC-3'
Protein context (NP_001075.1, residues 152-172): EQYPEVGTGK[Arg162Pro]FLNSGGFIGF

ClinVar aggregate classification (germline): Uncertain significance (1 of 4 stars; one submission).

Allele frequency attached by ClinVar (database versions not stated): gnomAD 0.00001; ExAC 0.00001.
gnomAD v4.1: 17 of 1,613,908 alleles (0.0011%); highest among the groups gnomAD compares: African/African-American, 0.0013%; no homozygotes.

Submission:

Labcorp Genetics (formerly Invitae), Labcorp
Classification: Uncertain significance. Last evaluated: 2021-10-21. Review status: criteria provided, single submitter. Criteria: Invitae Variant Classification Sherloc (09022015). Collection method: clinical testing. Allele origin: germline.
Comment: This sequence change replaces arginine with proline at codon 162 of the PLOD3 protein (p.Arg162Pro). The arginine residue is highly conserved and there is a moderate physicochemical difference between arginine and proline. This variant is present in population databases (rs776951292, ExAC 0.002%). This variant has not been reported in the literature in individuals affected with PLOD3-related conditions. Algorithms developed to predict the effect of missense changes on protein structure and function (SIFT, PolyPhen-2, Align-GVGD) all suggest that this variant is likely to be disruptive. In summary, the available evidence is currently insufficient to determine the role of this variant in disease. Therefore, it has been classified as a Variant of Uncertain Significance.